The following is an entry in ClinVar:

NM_153026.3(PRICKLE1):c.1595G>A (p.Ser532Asn)

Gene: PRICKLE1 (prickle planar cell polarity protein 1; minus strand). Cytogenetic location: 12q12.
Variant type: single nucleotide variant.
Coding change: c.1595G>A on transcript NM_153026.3 (MANE Select); coding-DNA position 1595, G replaced by A.
Protein change: p.Ser532Asn; replaces serine 532 with asparagine.
Molecular consequence: missense variant.
Genome position (GRCh38, 1-based): chr12:42,464,439, C>T on the plus strand (G>A on the coding strand, the complement: PRICKLE1 is on the minus strand). VCF-style: chr12-42464439-C-T. GRCh37 (hg19) VCF-style: chr12-42858241-C-T.
Other names: c.1595G>A (NM_153026.2); c.1595G>A, p.Ser532Asn (NM_001144881.2, NM_001144882.2, NM_001144883.2); short protein forms S532N.
Identifiers: ClinVar variation 998400 (VCV000998400.9), dbSNP rs778765052, ClinGen allele CA6519736.

ClinVar aggregate classification (germline): Uncertain significance. Review status: criteria provided, multiple submitters, no conflicts (2 of 4 stars). 2 submissions from 2 submitters: Uncertain significance (2). Last evaluated 2020-12-04.

Conditions:
Epilepsy, progressive myoclonic, 1B. Also called: PME. Identifiers: Orphanet 308, MedGen C2676254, MONDO:0012904, OMIM 612437.

Allele frequency attached by ClinVar (database versions not stated): gnomAD exomes below 0.00001; ExAC 0.00001; TOPMed 0.00001.
gnomAD v4.1: 30 of 1,614,088 alleles (0.0019%); highest among the groups gnomAD compares: Non-Finnish European, 0.0025%; no homozygotes.

Submissions (2):

Ambry Genetics
Classification: Uncertain significance. Last evaluated: 2020-12-04. Review status: criteria provided, single submitter. Criteria: Ambry Variant Classification Scheme 2023. Collection method: clinical testing. Allele origin: germline.

Labcorp Genetics (formerly Invitae), Labcorp
Classification: Uncertain significance for Epilepsy, progressive myoclonic, 1B. Last evaluated: 2020-10-02. Review status: criteria provided, single submitter. Criteria: Invitae Variant Classification Sherloc (09022015). Collection method: clinical testing. Allele origin: germline.
Comment: This sequence change replaces serine with asparagine at codon 532 of the PRICKLE1 protein (p.Ser532Asn). The serine residue is highly conserved and there is a small physicochemical difference between serine and asparagine. This variant is present in population databases (rs778765052, ExAC 0.001%). This variant has not been reported in the literature in individuals with PRICKLE1-related conditions. Algorithms developed to predict the effect of missense changes on protein structure and function (SIFT, PolyPhen-2, Align-GVGD) all suggest that this variant is likely to be tolerated, but these predictions have not been confirmed by published functional studies and their clinical significance is uncertain. In summary, the available evidence is currently insufficient to determine the role of this variant in disease. Therefore, it has been classified as a Variant of Uncertain Significance.